The following is an entry in ClinVar:

NM_001040108.2(MLH3):c.1544C>G (p.Pro515Arg)

Gene: MLH3 (mutL homolog 3; minus strand). Cytogenetic location: 14q24.3.
Variant type: single nucleotide variant.
Coding change: c.1544C>G on transcript NM_001040108.2 (MANE Select); coding-DNA position 1544, C replaced by G.
Protein change: p.Pro515Arg; replaces proline 515 with arginine.
Molecular consequence: missense variant.
Genome position (GRCh38, 1-based): chr14:75,048,112, G>C on the plus strand (C>G on the coding strand, the complement: MLH3 is on the minus strand). VCF-style: chr14-75048112-G-C. GRCh37 (hg19) VCF-style: chr14-75514815-G-C.
Other names: c.1544C>G, p.Pro515Arg (NM_014381.3); short protein forms P515R.
Identifiers: ClinVar variation 2448596 (VCV002448596.2), dbSNP rs1892390388, ClinGen allele CA390445136.

ClinVar aggregate classification (germline): Uncertain significance (1 of 4 stars; one submission).

gnomAD v4.1: 2 of 1,614,142 alleles (0.00012%); highest among the groups gnomAD compares: Non-Finnish European, 0.000085%; no homozygotes.

Submission:

Ambry Genetics
Classification: Uncertain significance. Last evaluated: 2022-11-04. Review status: criteria provided, single submitter. Criteria: Ambry Variant Classification Scheme 2023. Collection method: clinical testing. Allele origin: germline.
Comment: The p.P515R variant (also known as c.1544C>G), located in coding exon 1 of the MLH3 gene, results from a C to G substitution at nucleotide position 1544. The proline at codon 515 is replaced by arginine, an amino acid with dissimilar properties. This amino acid position is conserved. In addition, this alteration is predicted to be tolerated by in silico analysis. Since supporting evidence is limited at this time, the clinical significance of this alteration remains unclear.